The following is an entry in ClinVar:

ClinVar aggregate classification (germline): Uncertain significance (1 of 4 stars; one submission).

Conditions:
Myopathy, tubular aggregate, 2 (TAM2). Identifiers: MedGen C4014557, MONDO:0014383, OMIM 615883.

Submission:

Baylor Genetics
Classification: Uncertain significance for Myopathy, tubular aggregate, 2. Last evaluated: 2020-08-05. Review status: criteria provided, single submitter. Criteria: ACMG Guidelines, 2015. Collection method: clinical testing. Allele origin: unknown. Affected: yes.
Comment: This variant was determined to be of uncertain significance according to ACMG Guidelines, 2015 [PMID:25741868].

NM_032790.4(ORAI1):c.58G>C (p.Gly20Arg)

Genes: ORAI1 (ORAI calcium release-activated calcium modulator 1; plus strand), LOC130008987 (ATAC-STARR-seq lymphoblastoid silent region 4981; plus strand). Cytogenetic location: 12q24.31.
Variant type: single nucleotide variant.
Coding change: c.58G>C on transcript NM_032790.4; coding-DNA position 58, G replaced by C.
Protein change: p.Gly20Arg; replaces glycine 20 with arginine.
Genome position (GRCh38, 1-based): chr12:121,626,800, G>C. VCF-style: chr12-121626800-G-C. GRCh37 (hg19) VCF-style: chr12-122064705-G-C.
Other names: short protein forms G20R.
Identifiers: ClinVar variation 1030055 (VCV001030055.1), dbSNP rs1244560316, ClinGen allele CA386980366.